The following is an entry in ClinVar:

NM_000268.4(NF2):c.107A>T (p.Asn36Ile)

Gene: NF2 (NF2, moesin-ezrin-radixin like (MERLIN) tumor suppressor; plus strand). Cytogenetic location: 22q12.2.
Variant type: single nucleotide variant.
Coding change: c.107A>T on transcript NM_000268.4 (MANE Select); coding-DNA position 107, A replaced by T.
Protein change: p.Asn36Ile; replaces asparagine 36 with isoleucine.
Molecular consequence: missense variant. On other transcripts: non-coding transcript variant (1).
Genome position (GRCh38, 1-based): chr22:29,604,105, A>T. VCF-style: chr22-29604105-A-T. GRCh37 (hg19) VCF-style: chr22-30000094-A-T.
Other names: c.107A>T, p.Asn36Ile (NM_016418.5, NM_181825.3, NM_181828.3 and 5 more transcripts); short protein forms N36I.
Identifiers: ClinVar variation 818351 (VCV000818351.5), dbSNP rs372279458, ClinGen allele CA411146303.

ClinVar aggregate classification (germline): Uncertain significance. Review status: criteria provided, multiple submitters, no conflicts (2 of 4 stars). 2 submissions from 2 submitters: Uncertain significance (2). Last evaluated 2025-12-22.

Conditions:
Neurofibromatosis, type 2 (SWNV). Also called: BILATERAL ACOUSTIC NEUROFIBROMATOSIS; SCHWANNOMATOSIS, VESTIBULAR; NF2-Related Schwannomatosis. Identifiers: Orphanet 637, MedGen C0027832, MONDO:0007039, OMIM 101000. Disease mechanism: loss of function.
Hereditary cancer-predisposing syndrome. Also called: Tumor predisposition; Hereditary Cancer Syndrome; Hereditary neoplastic syndrome; Neoplastic Syndromes, Hereditary. Identifiers: Orphanet 140162, MedGen C0027672, MeSH D009386, MONDO:0015356.

Submissions (2):

Labcorp Genetics (formerly Invitae), Labcorp
Classification: Uncertain significance for Neurofibromatosis, type 2. Last evaluated: 2025-12-22. Review status: criteria provided, single submitter. Criteria: Invitae Variant Classification Sherloc (09022015). Collection method: clinical testing. Allele origin: germline.
Comment: This sequence change replaces asparagine, which is neutral and polar, with isoleucine, which is neutral and non-polar, at codon 36 of the NF2 protein (p.Asn36Ile). This variant is not present in population databases (gnomAD no frequency). This variant has not been reported in the literature in individuals affected with NF2-related conditions. ClinVar contains an entry for this variant (Variation ID: 818351). Invitae Evidence Modeling of protein sequence and biophysical properties (such as structural, functional, and spatial information, amino acid conservation, physicochemical variation, residue mobility, and thermodynamic stability) indicates that this missense variant is not expected to disrupt NF2 protein function with a negative predictive value of 80%. In summary, the available evidence is currently insufficient to determine the role of this variant in disease. Therefore, it has been classified as a Variant of Uncertain Significance.

Ambry Genetics
Classification: Uncertain significance for Hereditary cancer-predisposing syndrome. Last evaluated: 2019-03-11. Review status: criteria provided, single submitter. Criteria: Ambry Variant Classification Scheme 2023. Collection method: clinical testing. Allele origin: germline.
Comment: The p.N36I variant (also known as c.107A>T), located in coding exon 1 of the NF2 gene, results from an A to T substitution at nucleotide position 107. The asparagine at codon 36 is replaced by isoleucine, an amino acid with dissimilar properties. This amino acid position is well conserved in available vertebrate species. In addition, this alteration is predicted to be tolerated by in silico analysis. Since supporting evidence is limited at this time, the clinical significance of this alteration remains unclear.